The following is an entry in ClinVar:

NM_139318.5(KCNH5):c.558G>C (p.Gln186His)

Gene: KCNH5 (potassium voltage-gated channel subfamily H member 5; minus strand). Cytogenetic location: 14q23.2.
Variant type: single nucleotide variant.
Coding change: c.558G>C on transcript NM_139318.5 (MANE Select); coding-DNA position 558, G replaced by C.
Protein change: p.Gln186His; replaces glutamine 186 with histidine.
Molecular consequence: missense variant.
Genome position (GRCh38, 1-based): chr14:62,981,256, C>G on the plus strand (G>C on the coding strand, the complement: KCNH5 is on the minus strand). VCF-style: chr14-62981256-C-G. GRCh37 (hg19) VCF-style: chr14-63447974-C-G.
Other names: c.558G>C, p.Gln186His (NM_172375.3); short protein forms Q186H.
Identifiers: ClinVar variation 2993552 (VCV002993552.3), dbSNP rs754746129, ClinGen allele CA7217621.

ClinVar aggregate classification (germline): Uncertain significance (1 of 4 stars; one submission).

Conditions:
Early-infantile DEE. Also called: Early infantile epileptic encephalopathy with suppression bursts; Ohtahara syndrome; Early infantile epileptic encephalopathy. Identifiers: Orphanet 1934, MedGen C0393706, MONDO:0800491.

Allele frequency attached by ClinVar (database versions not stated): gnomAD exomes below 0.00001; ExAC 0.00001.
gnomAD v4.1: 1 of 1,613,928 alleles (0.000062%); highest among the groups gnomAD compares: Non-Finnish European, 0.000085%; no homozygotes.

Submission:

Labcorp Genetics (formerly Invitae), Labcorp
Classification: Uncertain significance for Early-infantile DEE. Last evaluated: 2023-03-14. Review status: criteria provided, single submitter. Criteria: Invitae Variant Classification Sherloc (09022015). Collection method: clinical testing. Allele origin: germline.
Comment: This sequence change replaces glutamine, which is neutral and polar, with histidine, which is basic and polar, at codon 186 of the KCNH5 protein (p.Gln186His). This variant is present in population databases (rs754746129, gnomAD 0.0009%). This variant has not been reported in the literature in individuals affected with KCNH5-related conditions. Advanced modeling of protein sequence and biophysical properties (such as structural, functional, and spatial information, amino acid conservation, physicochemical variation, residue mobility, and thermodynamic stability) performed at Invitae indicates that this missense variant is not expected to disrupt KCNH5 protein function. In summary, the available evidence is currently insufficient to determine the role of this variant in disease. Therefore, it has been classified as a Variant of Uncertain Significance.